The following is an entry in ClinVar:

NM_021956.5(GRIK2):c.1930A>T (p.Thr644Ser)

Gene: GRIK2 (glutamate ionotropic receptor kainate type subunit 2; plus strand). Cytogenetic location: 6q16.3.
Variant type: single nucleotide variant.
Coding change: c.1930A>T on transcript NM_021956.5 (MANE Select); coding-DNA position 1930, A replaced by T.
Protein change: p.Thr644Ser; replaces threonine 644 with serine.
Molecular consequence: missense variant.
Genome position (GRCh38, 1-based): chr6:101,928,477, A>T. VCF-style: chr6-101928477-A-T. GRCh37 (hg19) VCF-style: chr6-102376352-A-T.
Other names: c.1930A>T, p.Thr644Ser (NM_001166247.1, NM_175768.3); short protein forms T644S.
Identifiers: ClinVar variation 2576572 (VCV002576572.2), dbSNP rs2484830986, ClinGen allele CA365308394.

ClinVar aggregate classification (germline): Uncertain significance (1 of 4 stars; one submission).

Conditions:
Neurodevelopmental disorder with impaired language and ataxia and with or without seizures. Identifiers: MedGen C5562006, MONDO:0859201, OMIM 619580.

Submission:

Institute of Human Genetics, University of Leipzig Medical Center
Classification: Uncertain significance for Neurodevelopmental disorder with impaired language and ataxia and with or without seizures. Last evaluated: 2023-07-12. Review status: criteria provided, single submitter. Criteria: ACMG Guidelines, 2015. Collection method: clinical testing. Allele origin: unknown. Inheritance: Autosomal dominant inheritance. Affected: yes.
Comment: Criteria applied: PM1,PM2_SUP,PP3